The following is an entry in ClinVar:

ClinVar aggregate classification (germline): Uncertain significance (1 of 4 stars; one submission).

Submission:

Labcorp Genetics (formerly Invitae), Labcorp
Classification: Uncertain significance. Last evaluated: 2024-10-23. Review status: criteria provided, single submitter. Criteria: Invitae Variant Classification Sherloc (09022015). Collection method: clinical testing. Allele origin: germline.
Comment: This sequence change replaces alanine, which is neutral and non-polar, with glutamic acid, which is acidic and polar, at codon 4485 of the FAT4 protein (p.Ala4485Glu). This variant is not present in population databases (gnomAD no frequency). This variant has not been reported in the literature in individuals affected with FAT4-related conditions. ClinVar contains an entry for this variant (Variation ID: 1964589). Invitae Evidence Modeling of protein sequence and biophysical properties (such as structural, functional, and spatial information, amino acid conservation, physicochemical variation, residue mobility, and thermodynamic stability) indicates that this missense variant is not expected to disrupt FAT4 protein function with a negative predictive value of 95%. In summary, the available evidence is currently insufficient to determine the role of this variant in disease. Therefore, it has been classified as a Variant of Uncertain Significance.

NM_001291303.3(FAT4):c.13460C>A (p.Ala4487Glu)

Gene: FAT4 (FAT atypical cadherin 4; plus strand). Cytogenetic location: 4q28.1.
Variant type: single nucleotide variant.
Coding change: c.13460C>A on transcript NM_001291303.3 (MANE Select); coding-DNA position 13460, C replaced by A.
Protein change: p.Ala4487Glu; replaces alanine 4487 with glutamic acid.
Molecular consequence: missense variant.
Genome position (GRCh38, 1-based): chr4:125,490,276, C>A. VCF-style: chr4-125490276-C-A. GRCh37 (hg19) VCF-style: chr4-126411431-C-A.
Other names: c.13457C>A, p.Ala4486Glu (NM_001291285.3); c.13454C>A, p.Ala4485Glu (NM_024582.6); short protein forms A4485E, A4486E, A4487E.
Identifiers: ClinVar variation 1964589 (VCV001964589.5), dbSNP rs141234678, ClinGen allele CA358136603.